The following is an entry in ClinVar:

ClinVar aggregate classification (germline): Likely benign (1 of 4 stars; one submission).

gnomAD v4.1: 106 of 1,209,739 alleles (0.0088%); highest among the groups gnomAD compares: South Asian, 0.025%; no homozygotes.

Submission:

CeGaT Center for Human Genetics Tuebingen
Classification: Likely benign. Last evaluated: 2025-03-01. Review status: criteria provided, single submitter. Criteria: CeGaT Center For Human Genetics Tuebingen Variant Classification Criteria Version 2. Collection method: clinical testing. Allele origin: germline. Affected: yes. Observed: 1 variant allele.
Comment: ELF4: PP2, BP4, BS2

NM_001421.4(ELF4):c.193G>A (p.Gly65Arg)

Gene: ELF4 (E74 like ETS transcription factor 4; minus strand). Cytogenetic location: Xq26.1.
Variant type: single nucleotide variant.
Coding change: c.193G>A on transcript NM_001421.4 (MANE Select); coding-DNA position 193, G replaced by A.
Protein change: p.Gly65Arg; replaces glycine 65 with arginine.
Molecular consequence: missense variant.
Genome position (GRCh38, 1-based): chrX:130,074,635, C>T on the plus strand (G>A on the coding strand, the complement: ELF4 is on the minus strand). VCF-style: chrX-130074635-C-T. GRCh37 (hg19) VCF-style: chrX-129208610-C-T.
Other names: c.193G>A, p.Gly65Arg (NM_001127197.2); short protein forms G65R.
Identifiers: ClinVar variation 3778218 (VCV003778218.7).
Genomic context (GRCh38, chrX:130,074,635, plus strand): 5'-ACAGACCTGTCAGCAAAAAACTGCCTTCCAGGATCTGATCCTGCGTCATGCACAAGGTCC[C>T]GTCTGTTATGATGCCATTGTGAACGTCGTCCAACTCCAGTCCCGAGTACAGATGCAGTAA-3'
Protein context (NP_001412.1, residues 55-75): DDVHNGIITD[Gly65Arg]TLCMTQDQIL